The following is an entry in ClinVar:

NM_012330.4(KAT6B):c.4987G>A (p.Val1663Ile)

Gene: KAT6B (lysine acetyltransferase 6B; plus strand). Cytogenetic location: 10q22.2.
Variant type: single nucleotide variant.
Coding change: c.4987G>A on transcript NM_012330.4 (MANE Select); coding-DNA position 4987, G replaced by A.
Protein change: p.Val1663Ile; replaces valine 1663 with isoleucine.
Molecular consequence: missense variant.
Genome position (GRCh38, 1-based): chr10:75,029,811, G>A. VCF-style: chr10-75029811-G-A. GRCh37 (hg19) VCF-style: chr10-76789569-G-A.
Other names: c.4438G>A, p.Val1480Ile (NM_001256468.2, NM_001370138.1); c.4111G>A, p.Val1371Ile (NM_001256469.2, NM_001370139.1, NM_001370140.1 and 2 more transcripts); c.3949G>A, p.Val1317Ile (NM_001370132.1); c.3298G>A, p.Val1100Ile (NM_001370133.1); c.2902G>A, p.Val968Ile (NM_001370134.1); c.2644G>A, p.Val882Ile (NM_001370135.1); c.4987G>A, p.Val1663Ile (NM_001370136.1, NM_001370137.1); c.3922G>A, p.Val1308Ile (NM_001370143.1, NM_001370144.1); and 1 more; short protein forms V1663I, V1100I, V1317I, V1371I, V882I, V968I, V1308I, V1480I.
Identifiers: ClinVar variation 561958 (VCV000561958.5), dbSNP rs777433819, ClinGen allele CA5565129.

ClinVar aggregate classification (germline): Conflicting classifications of pathogenicity. Review status: criteria provided, conflicting classifications (1 of 4 stars). 3 submissions from 3 submitters: Uncertain significance (1); Likely benign (2). Last evaluated 2025-06-12.

Conditions:
Genitopatellar syndrome (GTPTS). Also called: ABSENT PATELLAE, SCROTAL HYPOPLASIA, RENAL ANOMALIES, FACIAL DYSMORPHISM, AND MENTAL RETARDATION; Genitopatellar syndrome (GPS). Identifiers: Orphanet 85201, MedGen C1853566, MONDO:0011640, OMIM 606170.
Inborn genetic diseases. Identifiers: MedGen C0950123, MeSH D030342.

Allele frequency attached by ClinVar (database versions not stated): TOPMed 0.00002.
gnomAD v4.1: 18 of 1,614,058 alleles (0.0011%); highest among the groups gnomAD compares: East Asian, 0.0022%; no homozygotes.

Submissions (3):

Labcorp Genetics (formerly Invitae), Labcorp
Classification: Likely benign for Genitopatellar syndrome. Last evaluated: 2025-06-12. Review status: criteria provided, single submitter. Criteria: Invitae Variant Classification Sherloc (09022015). Collection method: clinical testing. Allele origin: germline.

Ambry Genetics
Classification: Likely benign for Inborn genetic diseases. Last evaluated: 2023-12-20. Review status: criteria provided, single submitter. Criteria: Ambry Variant Classification Scheme 2023. Collection method: clinical testing. Allele origin: germline.

GeneDx
Classification: Uncertain significance. Last evaluated: 2018-07-20. Review status: criteria provided, single submitter. Criteria: GeneDx Variant Classification (06012015). Collection method: clinical testing. Allele origin: germline. Affected: yes.
Comment: The V1663I variant has not been published as a pathogenic variant, nor has it been reported as a benign variant to our knowledge. The V1663I variant is not observed at a significant frequency in large population cohorts (Lek et al., 2016). The V1663I variant is a conservative amino acid substitution, which is not likely to impact secondary protein structure as these residues share similar properties. In-silico analyses, including protein predictors and evolutionary conservation, support that this variant does not alter protein structure/function. In summary, based on the currently available information, it is unclear whether this variant is a pathogenic variant or a rare benign variant.